The following is an entry in ClinVar:

NM_001127453.2(GSDME):c.112A>C (p.Thr38Pro)

Gene: GSDME (gasdermin E; minus strand). Cytogenetic location: 7p15.3.
Variant type: single nucleotide variant.
Coding change: c.112A>C on transcript NM_001127453.2 (MANE Select); coding-DNA position 112, A replaced by C.
Protein change: p.Thr38Pro; replaces threonine 38 with proline.
Molecular consequence: missense variant. On other transcripts: intron variant (1).
Genome position (GRCh38, 1-based): chr7:24,749,663, T>G on the plus strand (A>C on the coding strand, the complement: GSDME is on the minus strand). VCF-style: chr7-24749663-T-G. GRCh37 (hg19) VCF-style: chr7-24789282-T-G.
Other names: c.112A>C, p.Thr38Pro (NM_004403.3); c.-281-4909A>C (NM_001127454.2); short protein forms T38P.
Identifiers: ClinVar variation 3359926 (VCV003359926.2).

ClinVar aggregate classification (germline): Uncertain significance. Review status: criteria provided, multiple submitters, no conflicts (2 of 4 stars). 2 submissions from 2 submitters: Uncertain significance (2). Last evaluated 2025-05-11.

Conditions:
Inborn genetic diseases. Identifiers: MedGen C0950123, MeSH D030342.

gnomAD v4.1: 2 of 1,614,028 alleles (0.00012%); highest among the groups gnomAD compares: African/African-American, 0.0013%; no homozygotes.

Submissions (2):

Ambry Genetics
Classification: Uncertain significance for Inborn genetic diseases. Last evaluated: 2025-05-11. Review status: criteria provided, single submitter. Criteria: Ambry Variant Classification Scheme 2023. Collection method: clinical testing. Allele origin: germline.

GeneDx
Classification: Uncertain significance. Last evaluated: 2023-06-20. Review status: criteria provided, single submitter. Criteria: GeneDx Variant Classification Process June 2021. Collection method: clinical testing. Allele origin: germline. Affected: yes.
Comment: Not observed at significant frequency in large population cohorts (gnomAD); In silico analysis supports that this missense variant does not alter protein structure/function; Has not been previously published as pathogenic or benign to our knowledge